The following is an entry in ClinVar:

ClinVar aggregate classification (germline): Conflicting classifications of pathogenicity. Review status: criteria provided, conflicting classifications (1 of 4 stars). 5 submissions from 5 submitters: Uncertain significance (4); Likely benign (1). Last evaluated 2025-01-07.

Conditions:
CERS1-related disorder. Also called: CERS1-related condition.
Progressive myoclonic epilepsy type 8. Identifiers: Orphanet 424027, MedGen C5190825, MONDO:0014545, OMIM 616230.

Allele frequency attached by ClinVar (database versions not stated): gnomAD 0.00065 and 0.00063; ExAC 0.00071; gnomAD exomes 0.00087 and 0.00052; 1000 Genomes Project 30x 0.00016; 1000 Genomes Project 0.00020; TOPMed 0.00054; ESP Exome Variant Server 0.00055.

Submissions (5):

PreventionGenetics, part of Exact Sciences
Classification: Likely benign for CERS1-related condition. Last evaluated: 2025-01-07. Review status: criteria provided, single submitter. Criteria: ACMG Guidelines, 2015. Collection method: clinical testing. Allele origin: germline.
Comment: This variant is classified as likely benign based on ACMG/AMP sequence variant interpretation guidelines (Richards et al. 2015 PMID: 25741868, with internal and published modifications).

Labcorp Genetics (formerly Invitae), Labcorp
Classification: Uncertain significance for Progressive myoclonic epilepsy type 8. Last evaluated: 2022-10-25. Review status: criteria provided, single submitter. Criteria: Invitae Variant Classification Sherloc (09022015). Collection method: clinical testing. Allele origin: germline.
Comment: This sequence change replaces valine, which is neutral and non-polar, with isoleucine, which is neutral and non-polar, at codon 263 of the CERS1 protein (p.Val263Ile). This variant is present in population databases (rs200539084, gnomAD 0.1%), and has an allele count higher than expected for a pathogenic variant. This variant has not been reported in the literature in individuals affected with CERS1-related conditions. ClinVar contains an entry for this variant (Variation ID: 475376). Advanced modeling of protein sequence and biophysical properties (such as structural, functional, and spatial information, amino acid conservation, physicochemical variation, residue mobility, and thermodynamic stability) performed at Invitae indicates that this missense variant is not expected to disrupt CERS1 protein function. In summary, the available evidence is currently insufficient to determine the role of this variant in disease. Therefore, it has been classified as a Variant of Uncertain Significance.

Revvity Omics, Revvity
Classification: Uncertain significance for Progressive myoclonic epilepsy type 8. Last evaluated: 2022-01-12. Review status: criteria provided, single submitter. Criteria: ACMG Guidelines, 2015. Collection method: clinical testing. Allele origin: germline.

Ambry Genetics
Classification: Uncertain significance. Last evaluated: 2021-09-27. Review status: criteria provided, single submitter. Criteria: Ambry Variant Classification Scheme 2023. Collection method: clinical testing. Allele origin: germline.

Mayo Clinic Laboratories, Mayo Clinic
Classification: Uncertain significance. Last evaluated: 2020-07-16. Review status: criteria provided, single submitter. Criteria: ACMG Guidelines, 2015. Collection method: clinical testing. Allele origin: germline. Observed: 1 variant allele.

NM_021267.5(CERS1):c.787G>A (p.Val263Ile)

Genes: CERS1 (ceramide synthase 1; minus strand), GDF1 (growth differentiation factor 1; minus strand). Cytogenetic location: 19p13.11.
Variant type: single nucleotide variant.
Coding change: c.787G>A on transcript NM_021267.5 (MANE Select); coding-DNA position 787, G replaced by A.
Protein change: p.Val263Ile; replaces valine 263 with isoleucine.
Molecular consequence: missense variant. On other transcripts: 5 prime UTR variant (1), intron variant (1).
Genome position (GRCh38, 1-based): chr19:18,879,354, C>T on the plus strand (G>A on the coding strand, the complement: CERS1 is on the minus strand). VCF-style: chr19-18879354-C-T. GRCh37 (hg19) VCF-style: chr19-18990163-C-T.
Other names: c.787G>A, p.Val263Ile (NM_198207.3, NM_001387439.1, NM_001387440.1); c.-536G>A (NM_001492.6); c.-313+4733G>A (NM_001387438.1); c.493G>A, p.Val165Ile (NM_001290265.2, NM_001387442.1, NM_001387443.1 and 2 more transcripts); c.742G>A, p.Val248Ile (NM_001387441.1); short protein forms V263I, V165I, V248I.
Identifiers: ClinVar variation 475376 (VCV000475376.15), dbSNP rs200539084, ClinGen allele CA9318148.